The following is an entry in ClinVar:

ClinVar aggregate classification (germline): Uncertain significance (1 of 4 stars; one submission).

Submission:

Labcorp Genetics (formerly Invitae), Labcorp
Classification: Uncertain significance. Last evaluated: 2022-06-15. Review status: criteria provided, single submitter. Criteria: Invitae Variant Classification Sherloc (09022015). Collection method: clinical testing. Allele origin: germline.
Comment: This variant has not been reported in the literature in individuals affected with MFAP5-related conditions. In summary, the available evidence is currently insufficient to determine the role of this variant in disease. Therefore, it has been classified as a Variant of Uncertain Significance. A gross deletion of the genomic region encompassing the full coding sequence of the MFAP5 gene has been identified. The current clinical and genetic evidence is not sufficient to establish whether loss-of-function variants in MFAP5 cause disease. The boundaries of this event are unknown as they extend beyond the assayed region for this gene and therefore may encompass additional genes.

NC_000012.11:g.(?_8800687)_(8814700_?)del

Gene: MFAP5 (microfibril associated protein 5; minus strand). Cytogenetic location: 12p13.31.
Variant type: Deletion.
Identifiers: ClinVar variation 2424686 (VCV002424686.4).